The following is an entry in ClinVar:

NM_001199799.2(ILDR1):c.250C>G (p.Leu84Val)

Gene: ILDR1 (immunoglobulin like domain containing receptor 1; minus strand). Cytogenetic location: 3q13.33.
Variant type: single nucleotide variant.
Coding change: c.250C>G on transcript NM_001199799.2 (MANE Select); coding-DNA position 250, C replaced by G.
Protein change: p.Leu84Val; replaces leucine 84 with valine.
Molecular consequence: missense variant.
Genome position (GRCh38, 1-based): chr3:122,005,373, G>C on the plus strand (C>G on the coding strand, the complement: ILDR1 is on the minus strand). VCF-style: chr3-122005373-G-C. GRCh37 (hg19) VCF-style: chr3-121724220-G-C.
Other names: c.250C>G, p.Leu84Val (NM_001199800.2, NM_175924.4); short protein forms L84V.
Identifiers: ClinVar variation 2122474 (VCV002122474.4), dbSNP rs1015322277, ClinGen allele CA82712502.

ClinVar aggregate classification (germline): Uncertain significance (1 of 4 stars; one submission).

gnomAD v4.1: 3 of 1,614,200 alleles (0.00019%); highest among the groups gnomAD compares: Non-Finnish European, 0.00017%; no homozygotes.

Submission:

Labcorp Genetics (formerly Invitae), Labcorp
Classification: Uncertain significance. Last evaluated: 2022-04-08. Review status: criteria provided, single submitter. Criteria: Invitae Variant Classification Sherloc (09022015). Collection method: clinical testing. Allele origin: germline.
Comment: Algorithms developed to predict the effect of missense changes on protein structure and function (SIFT, PolyPhen-2, Align-GVGD) all suggest that this variant is likely to be disruptive. This variant has not been reported in the literature in individuals affected with ILDR1-related conditions. This variant is not present in population databases (gnomAD no frequency). This sequence change replaces leucine, which is neutral and non-polar, with valine, which is neutral and non-polar, at codon 84 of the ILDR1 protein (p.Leu84Val). In summary, the available evidence is currently insufficient to determine the role of this variant in disease. Therefore, it has been classified as a Variant of Uncertain Significance.